The following is an entry in ClinVar:

NM_000156.6(GAMT):c.504C>G (p.Tyr168Ter)

Gene: GAMT (guanidinoacetate N-methyltransferase; minus strand). Cytogenetic location: 19p13.3.
Variant type: single nucleotide variant.
Coding change: c.504C>G on transcript NM_000156.6 (MANE Select); coding-DNA position 504, C replaced by G.
Protein change: p.Tyr168Ter; replaces tyrosine 168 with a stop codon.
Molecular consequence: nonsense.
Genome position (GRCh38, 1-based): chr19:1,398,982, G>C on the plus strand (C>G on the coding strand, the complement: GAMT is on the minus strand). VCF-style: chr19-1398982-G-C. GRCh37 (hg19) VCF-style: chr19-1398981-G-C.
Other names: c.504C>G, p.Tyr168Ter (NM_138924.3); short protein forms Y168*.
Identifiers: ClinVar variation 1422935 (VCV001422935.7), dbSNP rs2082617068, ClinGen allele CA402994535.

ClinVar aggregate classification (germline): Pathogenic (1 of 4 stars; one submission).

Conditions:
Cerebral creatine deficiency syndrome. Also called: Creatine deficiency syndromes. Identifiers: Orphanet 79172, MedGen C5244016, MONDO:0000456.

Allele frequency attached by ClinVar (database versions not stated): TOPMed below 0.00001.

Submission:

Labcorp Genetics (formerly Invitae), Labcorp
Classification: Pathogenic for Cerebral creatine deficiency syndrome. Last evaluated: 2026-01-28. Review status: criteria provided, single submitter. Criteria: Invitae Variant Classification Sherloc (09022015). Collection method: clinical testing. Allele origin: germline.
Comment: This sequence change creates a premature translational stop signal (p.Tyr168*) in the GAMT gene. It is expected to result in an absent or disrupted protein product. Loss-of-function variants in GAMT are known to be pathogenic (PMID: 15108290). This variant is not present in population databases (gnomAD no frequency). This variant has not been reported in the literature in individuals affected with GAMT-related conditions. ClinVar contains an entry for this variant (Variation ID: 1422935). For these reasons, this variant has been classified as Pathogenic.

Literature cited by the submitters: PubMed 15108290.